The following is an entry in ClinVar:

ClinVar aggregate classification (germline): Pathogenic (1 of 4 stars; one submission).

Submission:

Labcorp Genetics (formerly Invitae), Labcorp
Classification: Pathogenic. Last evaluated: 2024-10-29. Review status: criteria provided, single submitter. Criteria: Invitae Variant Classification Sherloc (09022015). Collection method: clinical testing. Allele origin: germline.
Comment: This sequence change creates a premature translational stop signal (p.Phe643*) in the CTNNA1 gene. It is expected to result in an absent or disrupted protein product. Loss-of-function variants in CTNNA1 are known to be pathogenic (PMID: 32051609, 34425242). This variant is not present in population databases (gnomAD no frequency). This variant has not been reported in the literature in individuals affected with CTNNA1-related conditions. For these reasons, this variant has been classified as Pathogenic.

Literature cited by the submitters: PubMed 32051609; PubMed 34425242.

NM_001903.5(CTNNA1):c.1924_1927dup (p.Phe643Ter)

Gene: CTNNA1 (catenin alpha 1; plus strand). Cytogenetic location: 5q31.2.
Variant type: Duplication.
Coding change: c.1924_1927dup on transcript NM_001903.5 (MANE Select); coding-DNA positions 1924 to 1927, 4 bases duplicated (GACT; older notation c.1924_1927dupGACT).
Protein change: p.Phe643Ter; replaces phenylalanine 643 with a stop codon.
Molecular consequence: nonsense.
Genome position (GRCh38, 1-based): chr5:138,929,270-138,929,273, GACT duplicated; duplicating any 4 consecutive bases within chr5:138,929,268-138,929,273 gives the same sequence; the c. name uses the placement nearest the transcript's 3' end. VCF-style (leftmost placement, unchanged base first): chr5-138929267-T-TCTGA. GRCh37 (hg19) VCF-style: chr5-138264956-T-TCTGA.
Other names: c.1924_1927dup, p.Phe643Ter (NM_001290307.3, NM_001323982.2, NM_001323983.1 and 2 more transcripts); c.1615_1618dup, p.Phe540Ter (NM_001290309.3); c.1555_1558dup, p.Phe520Ter (NM_001290310.3); c.814_817dup, p.Phe273Ter (NM_001290312.1, NM_001323987.1, NM_001323988.1 and 17 more transcripts); c.1831_1834dup, p.Phe612Ter (NM_001323986.2); c.475_478dup, p.Phe160Ter (NM_001324006.1, NM_001324007.1, NM_001324008.1 and 2 more transcripts); c.721_724dup, p.Phe242Ter (NM_001324011.1); c.571_574dup, p.Phe192Ter (NM_001324012.1, NM_001324013.1); short protein forms F160*, F540*, F520*, F192*, F242*, F273*, F612*, F643*.
Identifiers: ClinVar variation 2711820 (VCV002711820.3), dbSNP rs2533819947, ClinGen allele CA2697546522.
Genomic context (GRCh38, chr5:138,929,267, plus strand): 5'-AGAGATGTGTCTGACCTGTGATCTTTGTCTGGGTGGCAGACCCCTGAGGAGTTGGATGAC[T>TCTGA]CTGACTTTGAGACAGAAGATTTTGATGTCAGAAGCAGGACGAGCGTCCAGACAGAAGACG-3'